The following is an entry in ClinVar:

NM_001128840.3(CACNA1D):c.32A>C (p.Gln11Pro)

Gene: CACNA1D (calcium voltage-gated channel subunit alpha1 D; plus strand). Cytogenetic location: 3p21.1.
Variant type: single nucleotide variant.
Coding change: c.32A>C on transcript NM_001128840.3 (MANE Select); coding-DNA position 32, A replaced by C.
Protein change: p.Gln11Pro; replaces glutamine 11 with proline.
Molecular consequence: missense variant.
Genome position (GRCh38, 1-based): chr3:53,495,198, A>C. VCF-style: chr3-53495198-A-C. GRCh37 (hg19) VCF-style: chr3-53529225-A-C.
Other names: c.32A>C, p.Gln11Pro (NM_000720.4, NM_001128839.3); short protein forms Q11P.
Identifiers: ClinVar variation 4975281 (VCV004975281.1).

ClinVar aggregate classification (germline): Uncertain significance (1 of 4 stars; one submission).

gnomAD v4.1: 1 of 1,613,742 alleles (0.000062%); highest among the groups gnomAD compares: Middle Eastern, 0.017%; no homozygotes.

Submission:

GeneDx
Classification: Uncertain significance. Last evaluated: 2026-01-29. Review status: criteria provided, single submitter. Criteria: GeneDx Variant Classification Process June 2021. Collection method: clinical testing. Allele origin: germline.
Comment: Not observed at significant frequency in large population cohorts (gnomAD); In silico analysis suggests that this missense variant does not alter protein structure/function; Has not been previously published as pathogenic or benign to our knowledge